The following is an entry in ClinVar:

NM_020971.3(SPTBN4):c.1491C>T (p.Ala497=)

Gene: SPTBN4 (spectrin beta, non-erythrocytic 4; plus strand). Cytogenetic location: 19q13.2.
Variant type: single nucleotide variant.
Coding change: c.1491C>T on transcript NM_020971.3 (MANE Select); coding-DNA position 1491, C replaced by T.
Protein change: p.Ala497=; no amino-acid change (alanine 497 retained).
Molecular consequence: synonymous variant.
Genome position (GRCh38, 1-based): chr19:40,503,958, C>T. VCF-style: chr19-40503958-C-T. GRCh37 (hg19) VCF-style: chr19-41009865-C-T.
Identifiers: ClinVar variation 3239036 (VCV003239036.18), dbSNP rs771777542.

ClinVar aggregate classification (germline): Likely benign (1 of 4 stars; one submission).

Allele frequency attached by ClinVar (database versions not stated): ExAC 0.00003; gnomAD 0.00003; TOPMed 0.00005; gnomAD exomes 0.00011.

Submission:

CeGaT Center for Human Genetics Tuebingen
Classification: Likely benign. Last evaluated: 2024-07-01. Review status: criteria provided, single submitter. Criteria: CeGaT Center For Human Genetics Tuebingen Variant Classification Criteria Version 2. Collection method: clinical testing. Allele origin: germline. Affected: yes. Observed: 2 variant alleles.
Comment: SPTBN4: BP4, BP7